The following is an entry in ClinVar:

NM_007272.3(CTRC):c.209T>C (p.Leu70Pro)

Gene: CTRC (chymotrypsin C; plus strand). Cytogenetic location: 1p36.21.
Variant type: single nucleotide variant.
Coding change: c.209T>C on transcript NM_007272.3 (MANE Select); coding-DNA position 209, T replaced by C.
Protein change: p.Leu70Pro; replaces leucine 70 with proline.
Molecular consequence: missense variant.
Genome position (GRCh38, 1-based): chr1:15,440,569, T>C. VCF-style: chr1-15440569-T-C. GRCh37 (hg19) VCF-style: chr1-15767065-T-C.
Other names: short protein forms L70P.
Identifiers: ClinVar variation 3226057 (VCV003226057.1), dbSNP rs2526290286, ClinGen allele CA338565105.

ClinVar aggregate classification (germline): Uncertain significance (1 of 4 stars; one submission).

Conditions:
Hereditary pancreatitis (PCTT). Also called: Hereditary chronic pancreatitis; PRSS1-Related Hereditary Pancreatitis. Identifiers: Orphanet 676, MedGen C0238339, MONDO:0008185, OMIM 167800.

Submission:

Ambry Genetics
Classification: Uncertain significance for Hereditary pancreatitis. Last evaluated: 2023-12-05. Review status: criteria provided, single submitter. Criteria: Ambry Variant Classification Scheme 2023. Collection method: clinical testing. Allele origin: germline.
Comment: The p.L70P variant (also known as c.209T>C), located in coding exon 3 of the CTRC gene, results from a T to C substitution at nucleotide position 209. The leucine at codon 70 is replaced by proline, an amino acid with similar properties. This amino acid position is conserved. In addition, this alteration is predicted to be deleterious by in silico analysis. Since supporting evidence is limited at this time, the clinical significance of this alteration remains unclear.